The following is an entry in ClinVar:

ClinVar aggregate classification (germline): Pathogenic (1 of 4 stars; one submission).

Conditions:
Polycystic kidney disease, adult type (PKD1). Also called: POLYCYSTIC KIDNEY DISEASE 1 WITH OR WITHOUT POLYCYSTIC LIVER DISEASE; Polycystic Kidney Disease 1, Autosomal Dominant; Polycystic kidney disease 1; Polycystic kidney disease 1, severe; Polycystic Kidney, Autosomal Dominant; POLYCYSTIC KIDNEY DISEASE, ADULT, TYPE I. Identifiers: MedGen C3149841, MONDO:0008263, OMIM 173900.

Submission:

Cavalleri Lab, Royal College of Surgeons in Ireland
Classification: Pathogenic for Polycystic kidney disease, adult type. Last evaluated: 2020-02-05. Review status: criteria provided, single submitter. Criteria: ACMG Guidelines, 2015. Collection method: research. Allele origin: unknown. Inheritance: Autosomal dominant inheritance. Affected: yes.
Comment: PVS1, PM2, PP4

NM_001009944.3(PKD1):c.4782del (p.Pro1595fs)

Gene: PKD1 (polycystin 1, transient receptor potential channel interacting; minus strand). Cytogenetic location: 16p13.3.
Variant type: Deletion.
Coding change: c.4782del on transcript NM_001009944.3 (MANE Select); coding-DNA position 4782, one base deleted (T; older notation c.4782delT).
Protein change: p.Pro1595fs; shifts the reading frame from proline 1595.
Molecular consequence: frameshift variant.
Genome position (GRCh38, 1-based): chr16:2,110,385, A deleted on the plus strand (T on the coding strand, the reverse complement: PKD1 is on the minus strand). VCF-style (leftmost placement, unchanged base first): chr16-2110384-GA-G. GRCh37 (hg19) VCF-style: chr16-2160385-GA-G.
Other names: c.4782del, p.Pro1595fs (NM_000296.4); c.4782delT (NM_001009944.3); short protein forms P1595fs.
Identifiers: ClinVar variation 873369 (VCV000873369.1), dbSNP rs2092471431, ClinGen allele CA1139664340.